The following is an entry in ClinVar:

NM_001127511.3(APC):c.-165G>T

Gene: APC (APC regulator of Wnt signaling pathway; plus strand). Cytogenetic location: 5q22.2.
Variant type: single nucleotide variant.
Coding change: c.-165G>T on transcript NM_001127511.3; 165 bases upstream of the start codon, G replaced by T.
Molecular consequence: 5 prime UTR variant. On other transcripts: non-coding transcript variant (2).
Genome position (GRCh38, 1-based): chr5:112,707,553, G>T. VCF-style: chr5-112707553-G-T. GRCh37 (hg19) VCF-style: chr5-112043250-G-T.
Other names: c.-348G>T (NM_001354895.2, NM_001407447.1, NM_001407452.1 and 3 more transcripts); c.-165G>T (NM_001354897.2, NM_001354902.2, NM_001407446.1); c.-115G>T (NM_001407448.1, NM_001407450.1, NM_001407457.1 and 1 more transcripts); c.-139G>T (NM_001407453.1); c.-1383G>T (NM_001407470.1, NM_001407472.1).
Identifiers: ClinVar variation 1015827 (VCV001015827.7), dbSNP rs1580996027, ClinGen allele CA1573442431.

ClinVar aggregate classification (germline): Uncertain significance (1 of 4 stars; one submission).

Conditions:
Familial adenomatous polyposis 1 (FAP1). Also called: FAMILIAL ADENOMATOUS POLYPOSIS 1, ATTENUATED; POLYPOSIS, ADENOMATOUS INTESTINAL. Identifiers: MedGen C2713442, MONDO:0021056, OMIM 175100. Disease mechanism: loss of function.

Submission:

Labcorp Genetics (formerly Invitae), Labcorp
Classification: Uncertain significance for Familial adenomatous polyposis 1. Last evaluated: 2024-12-02. Review status: criteria provided, single submitter. Criteria: Invitae Variant Classification Sherloc (09022015). Collection method: clinical testing. Allele origin: germline.
Comment: This variant occurs in a non-coding region of the APC gene. It does not change the encoded amino acid sequence of the APC protein. This variant is not present in population databases (gnomAD no frequency). This variant has not been reported in the literature in individuals affected with APC-related conditions. Experimental studies and prediction algorithms are not available or were not evaluated, and the functional significance of this variant is currently unknown. In summary, the available evidence is currently insufficient to determine the role of this variant in disease. Therefore, it has been classified as a Variant of Uncertain Significance.